The following is an entry in ClinVar:

ClinVar aggregate classification (germline): Pathogenic/Likely pathogenic. Review status: criteria provided, multiple submitters, no conflicts (2 of 4 stars). 3 submissions from 3 submitters: Pathogenic (1); Likely pathogenic (1). 1 of the submissions does not count toward it. Last evaluated 2025-09-19.

Conditions:
Cardiovascular phenotype. Identifiers: MedGen CN230736.
Marfan syndrome (MFS). Also called: Marfan syndrome type 1; Marfan syndrome, classic; Marfan's syndrome; FBN1-Related Marfan Syndrome; MARFAN SYNDROME, TYPE I. Identifiers: Orphanet 284963, Orphanet 558, MedGen C0024796, MONDO:0007947, OMIM 154700.

Submissions (3):

3billion
Classification: Likely pathogenic for Marfan syndrome. Last evaluated: 2025-09-19. Review status: criteria provided, single submitter. Criteria: ACMG Guidelines, 2015. Collection method: clinical testing. Allele origin: germline. Affected: yes.
Comment: The variant is not observed in the gnomAD v4.1.0 dataset. Predicted Consequence/Location: Missense variant In silico tool predictions suggest damaging effect of the variant on gene or gene product [REVEL: 0.99 (>=0.6, sensitivity 0.68 and specificity 0.92); 3Cnet: 0.99 (> 0.75, sensitivity 0.96 and precision 0.92)]. The same nucleotide change resulting in the same amino acid change has been previously reported to be associated with FBN1-related disorder (ClinVar ID: VCV000549360 /PMID: 34550612).Different missense changes at the same codon (p.Cys2230Ser, p.Cys2230Tyr) have been reported as pathogenic/likely pathogenic with strong evidence (ClinVar ID: VCV000493158, VCV003754048). Therefore, this variant is classified as Likely pathogenic according to the recommendation of ACMG/AMP guideline.

Molecular Diagnostic Laboratory for Inherited Cardiovascular Disease, Montreal Heart Institute
Classification: Pathogenic for Cardiovascular phenotype. Last evaluated: 2021-06-01. Review status: criteria provided, single submitter. Criteria: ACMG Guidelines, 2015. Collection method: clinical testing. Allele origin: germline. Affected: yes.

Center for Medical Genetics Ghent, University of Ghent
Classification: Likely pathogenic for Marfan syndrome. Last evaluated: 2017-11-07. Review status: no assertion criteria provided. Collection method: clinical testing. Allele origin: germline. Affected: yes. Not counted in ClinVar's aggregate classification.

Literature cited by the submitters: PubMed 34550612 (cited by 3billion).

NM_000138.5(FBN1):c.6688T>C (p.Cys2230Arg)

Gene: FBN1 (fibrillin 1; minus strand). Cytogenetic location: 15q21.1.
Variant type: single nucleotide variant.
Coding change: c.6688T>C on transcript NM_000138.5 (MANE Select); coding-DNA position 6688, T replaced by C.
Protein change: p.Cys2230Arg; replaces cysteine 2230 with arginine.
Molecular consequence: missense variant.
Genome position (GRCh38, 1-based): chr15:48,432,917, A>G on the plus strand (T>C on the coding strand, the complement: FBN1 is on the minus strand). VCF-style: chr15-48432917-A-G. GRCh37 (hg19) VCF-style: chr15-48725114-A-G.
Other names: short protein forms C2230R.
Identifiers: ClinVar variation 549360 (VCV000549360.3), dbSNP rs1555394906, ClinGen allele CA392333426.